The following is an entry in ClinVar:

ClinVar aggregate classification (germline): Uncertain significance (1 of 4 stars; one submission).

Conditions:
Peroxisome biogenesis disorder. Identifiers: Orphanet 79189, MedGen C1832200, MONDO:0019234. Disease mechanism: loss of function.

Submission:

Labcorp Genetics (formerly Invitae), Labcorp
Classification: Uncertain significance for Peroxisome biogenesis disorder. Last evaluated: 2020-09-12. Review status: criteria provided, single submitter. Criteria: Invitae Variant Classification Sherloc (09022015). Collection method: clinical testing. Allele origin: germline.
Comment: In summary, the available evidence is currently insufficient to determine the role of this variant in disease. Therefore, it has been classified as a Variant of Uncertain Significance. Algorithms developed to predict the effect of missense changes on protein structure and function are either unavailable or do not agree on the potential impact of this missense change (SIFT: "Tolerated"; PolyPhen-2: "Possibly Damaging"; Align-GVGD: "Class C0"). This variant has not been reported in the literature in individuals with PEX16-related conditions. This variant is not present in population databases (ExAC no frequency). This sequence change replaces leucine with valine at codon 35 of the PEX16 protein (p.Leu35Val). The leucine residue is highly conserved and there is a small physicochemical difference between leucine and valine.

NM_004813.4(PEX16):c.103C>G (p.Leu35Val)

Gene: PEX16 (peroxisomal biogenesis factor 16; minus strand). Cytogenetic location: 11p11.2.
Variant type: single nucleotide variant.
Coding change: c.103C>G on transcript NM_004813.4 (MANE Select); coding-DNA position 103, C replaced by G.
Protein change: p.Leu35Val; replaces leucine 35 with valine.
Molecular consequence: missense variant.
Genome position (GRCh38, 1-based): chr11:45,917,709, G>C on the plus strand (C>G on the coding strand, the complement: PEX16 is on the minus strand). VCF-style: chr11-45917709-G-C. GRCh37 (hg19) VCF-style: chr11-45939260-G-C.
Other names: c.103C>G, p.Leu35Val (NM_057174.3); short protein forms L35V.
Identifiers: ClinVar variation 1005723 (VCV001005723.9), dbSNP rs1427588700, ClinGen allele CA380230506.
Genomic context (GRCh38, chr11:45,917,709, plus strand): 5'-GGGGTCATAGGTCAGGGCCCAGAAGGAACTGATCAAAGGTCAGGGTGGCACCTGCCAGCA[G>C]GTAACTGAAGCCCCGCACTGCTGTCTCCAGCTGGGCCGTGGCGGCCGGGTGACGAGTCAC-3'
Protein context (NP_004804.2, residues 25-45): LETAVRGFSY[Leu35Val]LAGRFADSHE